The following is an entry in ClinVar:

ClinVar aggregate classification (germline): Pathogenic (1 of 4 stars; one submission).

Conditions:
Hereditary nonpolyposis colorectal neoplasms. Identifiers: MedGen C0009405, MeSH D003123.

Submission:

Labcorp Genetics (formerly Invitae), Labcorp
Classification: Pathogenic for Hereditary nonpolyposis colorectal neoplasms. Last evaluated: 2023-07-24. Review status: criteria provided, single submitter. Criteria: Invitae Variant Classification Sherloc (09022015). Collection method: clinical testing. Allele origin: germline.
Comment: The frequency data for this variant in the population databases (gnomAD) is considered unreliable due to the presence of homologous sequence, such as pseudogenes or paralogs, in the genome. This sequence change creates a premature translational stop signal (p.Gly795Leufs*23) in the PMS2 gene. While this is not anticipated to result in nonsense mediated decay, it is expected to disrupt the last 68 amino acid(s) of the PMS2 protein. This variant has not been reported in the literature in individuals affected with PMS2-related conditions. ClinVar contains an entry for this variant (Variation ID: 1075986). This variant disrupts a region of the PMS2 protein in which other variant(s) (p.Trp841Glyfs*10) have been determined to be pathogenic (PMID: 10037723, 16338176, 20533529, 26116798, 28218421, 30764633). This suggests that this is a clinically significant region of the protein, and that variants that disrupt it are likely to be disease-causing. For these reasons, this variant has been classified as Pathogenic.

Literature cited by the submitters: PubMed 10037723; PubMed 16338176; PubMed 20533529; PubMed 26116798; PubMed 28218421; PubMed 30764633.

NM_000535.7(PMS2):c.2380_2381dup (p.Gly795fs)

Gene: PMS2 (PMS1 homolog 2, mismatch repair system component; minus strand). Cytogenetic location: 7p22.1.
Variant type: Duplication.
Coding change: c.2380_2381dup on transcript NM_000535.7 (MANE Select); coding-DNA positions 2380 to 2381, 2 bases duplicated (CC; older notation c.2380_2381dupCC).
Protein change: p.Gly795fs; shifts the reading frame from glycine 795.
Molecular consequence: frameshift variant. On other transcripts: non-coding transcript variant (1).
Genome position (GRCh38, 1-based): chr7:5,977,652-5,977,653, GG duplicated on the plus strand (CC on the coding strand, the reverse complement: PMS2 is on the minus strand); duplicating any 2 consecutive bases within chr7:5,977,652-5,977,654 gives the same sequence; the c. name uses the placement nearest the transcript's 3' end. VCF-style (leftmost placement, unchanged base first): chr7-5977651-A-AGG. GRCh37 (hg19) VCF-style: chr7-6017282-A-AGG.
Other names: c.1975_1976dup, p.Gly660fs (NM_001322003.2, NM_001322004.2, NM_001322005.2); c.2224_2225dup, p.Gly743fs (NM_001322006.2); c.2062_2063dup, p.Gly689fs (NM_001322007.2, NM_001322008.2); c.2008_2009dup, p.Gly671fs (NM_001322009.2); c.1819_1820dup, p.Gly608fs (NM_001322010.2); c.1447_1448dup, p.Gly484fs (NM_001322011.2, NM_001322012.2); c.1807_1808dup, p.Gly604fs (NM_001322013.2); c.2413_2414dup, p.Gly806fs (NM_001322014.2); and 1 more; short protein forms G484fs, G604fs, G608fs, G660fs, G671fs, G689fs, G692fs, G743fs.
Identifiers: ClinVar variation 1075986 (VCV001075986.9), dbSNP rs2128673214, ClinGen allele CA2499218950.
Genomic context (GRCh38, chr7:5,977,651, plus strand): 5'-CTTCCGGCAGGCTCTGGAGGCAAACATCTGCTTGACTCGGGAAGGCCGGCACATGACCCC[A>AGG]GGGCTGTCGCTCAGCATGAAGATCAGTTCATCGACGTCCTGGGGTCCGAAGGTCCAGTTT-3'